The following is an entry in ClinVar:

NM_206937.2(LIG4):c.663G>A (p.Leu221=)

Gene: LIG4 (DNA ligase 4; minus strand). Cytogenetic location: 13q33.3.
Variant type: single nucleotide variant.
Coding change: c.663G>A on transcript NM_206937.2 (MANE Select); coding-DNA position 663, G replaced by A.
Protein change: p.Leu221=; no amino-acid change (leucine 221 retained).
Molecular consequence: synonymous variant.
Genome position (GRCh38, 1-based): chr13:108,210,606, C>T on the plus strand (G>A on the coding strand, the complement: LIG4 is on the minus strand). VCF-style: chr13-108210606-C-T. GRCh37 (hg19) VCF-style: chr13-108862954-C-T.
Other names: c.663G>A, p.Leu221= (NM_001098268.2, NM_001352598.2, NM_001352599.2 and 6 more transcripts); c.462G>A, p.Leu154= (NM_001330595.2); c.699G>A, p.Leu233= (NM_001352604.2).
Identifiers: ClinVar variation 2903478 (VCV002903478.5), dbSNP rs2138978649, ClinGen allele CA484976003.
Genomic context (GRCh38, chr13:108,210,606, plus strand): 5'-AGTGATAGAAATATCACTGAGTCCTACAGAAGGATCATGCAGTTGCCTACAGACTTTTTC[C>T]AGATCTGTAGTGACATTATGCAACTCAGCAGCATCATTATGAAAAACAGAAAAGATAGTT-3'
Protein context (NP_996820.1, residues 211-231): AAELHNVTTD[Leu221=]EKVCRQLHDP

ClinVar aggregate classification (germline): Likely benign. Review status: criteria provided, single submitter (1 of 4 stars). 2 submissions from 2 submitters: Likely benign (1). 1 of the submissions does not count toward it. Last evaluated 2023-01-20.

Conditions:
LIG4-related disorder. Also called: LIG4-related condition; LIG4-related disorders. Identifiers: MedGen CN239380.
DNA ligase IV deficiency. Identifiers: Orphanet 99812, MedGen C1847827, MONDO:0011686, OMIM 606593.

Allele frequency attached by ClinVar (database versions not stated): gnomAD exomes below 0.00001.

Submissions (2):

Labcorp Genetics (formerly Invitae), Labcorp
Classification: Likely benign for DNA ligase IV deficiency. Last evaluated: 2023-01-20. Review status: criteria provided, single submitter. Criteria: Invitae Variant Classification Sherloc (09022015). Collection method: clinical testing. Allele origin: germline.

PreventionGenetics, part of Exact Sciences
Classification: Likely benign for LIG4-related condition. Last evaluated: 2024-02-29. Review status: no assertion criteria provided. Collection method: clinical testing. Allele origin: germline. Not counted in ClinVar's aggregate classification.
Comment: This variant is classified as likely benign based on ACMG/AMP sequence variant interpretation guidelines (Richards et al. 2015 PMID: 25741868, with internal and published modifications).